The following is an entry in ClinVar:

ClinVar aggregate classification (germline): Uncertain significance (1 of 4 stars; one submission).

Submission:

GeneDx
Classification: Uncertain significance. Last evaluated: 2025-05-23. Review status: criteria provided, single submitter. Criteria: GeneDx Variant Classification Process June 2021. Collection method: clinical testing. Allele origin: germline. Affected: yes.
Comment: Not observed at significant frequency in large population cohorts (gnomAD); In silico analysis suggests that this missense variant does not alter protein structure/function; Has not been previously published as pathogenic or benign to our knowledge

NM_021224.6(ZNF462):c.1170A>C (p.Glu390Asp)

Gene: ZNF462 (zinc finger protein 462; plus strand). Cytogenetic location: 9q31.2.
Variant type: single nucleotide variant.
Coding change: c.1170A>C on transcript NM_021224.6 (MANE Select); coding-DNA position 1170, A replaced by C.
Protein change: p.Glu390Asp; replaces glutamic acid 390 with aspartic acid.
Molecular consequence: missense variant.
Genome position (GRCh38, 1-based): chr9:106,925,082, A>C. VCF-style: chr9-106925082-A-C. GRCh37 (hg19) VCF-style: chr9-109687363-A-C.
Other names: c.1170A>C, p.Glu390Asp (NM_001347997.2); short protein forms E390D.
Identifiers: ClinVar variation 4530764 (VCV004530764.1).
Genomic context (GRCh38, chr9:106,925,082, plus strand): 5'-GACCAATTCTTCTGCTGACCTGGAAACTAACAGCATGCTAAATGACTCTAGTTCTGATGA[A>C]GAGTTAAATGAAATAGACAGTGAGAATGGTTTAAGTGCTATGGATCACCAGACATCAGGC-3'
Protein context (NP_067047.4, residues 380-400): NSMLNDSSSD[Glu390Asp]ELNEIDSENG